The following is an entry in ClinVar:

NM_005869.4(CWC27):c.1190_1193del (p.Thr397fs)

Gene: CWC27 (CWC27 spliceosome associated cyclophilin; plus strand). Cytogenetic location: 5q12.3.
Variant type: Microsatellite.
Coding change: c.1190_1193del on transcript NM_005869.4 (MANE Select); coding-DNA positions 1190 to 1193, 4 bases deleted (CTCA; older notation c.1190_1193delCTCA).
Protein change: p.Thr397fs; shifts the reading frame from threonine 397.
Molecular consequence: frameshift variant. On other transcripts: intron variant (1).
Genome position (GRCh38, 1-based): chr5:64,977,172-64,977,175, CTCA deleted; deleting any 4 consecutive bases within chr5:64,977,167-64,977,175 gives the same sequence; the c. name uses the placement nearest the transcript's 3' end. VCF-style (leftmost placement, unchanged base first): chr5-64977166-AACTC-A. GRCh37 (hg19) VCF-style: chr5-64272993-AACTC-A.
Other names: c.1152+5360_1152+5363del (NM_001297644.1); short protein forms T397fs.
Identifiers: ClinVar variation 1879624 (VCV001879624.29), dbSNP rs2531530587, ClinGen allele CA2580613567.
Genomic context (GRCh38, chr5:64,977,166, plus strand): 5'-AAAACTTAGCAGTCTAATTGTTATTTCAGACCCTTGCACTGCTGAACCAGTTTAAATCTA[AACTC>A]ACTCAAGCAATTGCTGAAACGCCTGAAAATGACATTCCTGAAACAGAAGTAGAAGATGAT-3'

ClinVar aggregate classification (germline): Uncertain significance (1 of 4 stars; one submission).

Submission:

CeGaT Center for Human Genetics Tuebingen
Classification: Uncertain significance. Last evaluated: 2022-11-01. Review status: criteria provided, single submitter. Criteria: CeGaT Center For Human Genetics Tuebingen Variant Classification Criteria Version 2. Collection method: clinical testing. Allele origin: germline. Affected: yes. Observed: 1 variant allele.
Comment: CWC27: PM2, PVS1:Moderate